The following is an entry in ClinVar:

NM_032608.7(MYO18B):c.4120G>A (p.Ala1374Thr)

Gene: MYO18B (myosin XVIIIB; plus strand). Cytogenetic location: 22q12.1.
Variant type: single nucleotide variant.
Coding change: c.4120G>A on transcript NM_032608.7 (MANE Select); coding-DNA position 4120, G replaced by A.
Protein change: p.Ala1374Thr; replaces alanine 1374 with threonine.
Molecular consequence: missense variant.
Genome position (GRCh38, 1-based): chr22:25,876,228, G>A. VCF-style: chr22-25876228-G-A. GRCh37 (hg19) VCF-style: chr22-26272195-G-A.
Other names: c.4123G>A, p.Ala1375Thr (NM_001318245.2); short protein forms A1374T, A1375T.
Identifiers: ClinVar variation 1410937 (VCV001410937.6), dbSNP rs2146196835, ClinGen allele CA411007337.

ClinVar aggregate classification (germline): Uncertain significance (1 of 4 stars; one submission).

Submission:

Labcorp Genetics (formerly Invitae), Labcorp
Classification: Uncertain significance. Last evaluated: 2022-08-23. Review status: criteria provided, single submitter. Criteria: Invitae Variant Classification Sherloc (09022015). Collection method: clinical testing. Allele origin: germline.
Comment: This sequence change replaces alanine with threonine at codon 1374 of the MYO18B protein (p.Ala1374Thr). The alanine residue is weakly conserved and there is a small physicochemical difference between alanine and threonine. This variant is not present in population databases (gnomAD no frequency). This variant has not been reported in the literature in individuals affected with MYO18B-related conditions. ClinVar contains an entry for this variant (Variation ID: 1410937). Algorithms developed to predict the effect of missense changes on protein structure and function output the following: SIFT: "Not Available"; PolyPhen-2: "Benign"; Align-GVGD: "Not Available". The threonine amino acid residue is found in multiple mammalian species, which suggests that this missense change does not adversely affect protein function. In summary, the available evidence is currently insufficient to determine the role of this variant in disease. Therefore, it has been classified as a Variant of Uncertain Significance.